The following is an entry in ClinVar:

ClinVar aggregate classification (germline): Uncertain significance (1 of 4 stars; one submission).

Conditions:
Hereditary nonpolyposis colorectal neoplasms. Identifiers: MedGen C0009405, MeSH D003123.

Submission:

Labcorp Genetics (formerly Invitae), Labcorp
Classification: Uncertain significance for Hereditary nonpolyposis colorectal neoplasms. Last evaluated: 2024-12-18. Review status: criteria provided, single submitter. Criteria: Invitae Variant Classification Sherloc (09022015). Collection method: clinical testing. Allele origin: germline.
Comment: This sequence change replaces alanine, which is neutral and non-polar, with threonine, which is neutral and polar, at codon 861 of the MSH6 protein (p.Ala861Thr). This variant is not present in population databases (gnomAD no frequency). This variant has not been reported in the literature in individuals affected with MSH6-related conditions. Invitae Evidence Modeling of protein sequence and biophysical properties (such as structural, functional, and spatial information, amino acid conservation, physicochemical variation, residue mobility, and thermodynamic stability) indicates that this missense variant is not expected to disrupt MSH6 protein function with a negative predictive value of 95%. In summary, the available evidence is currently insufficient to determine the role of this variant in disease. Therefore, it has been classified as a Variant of Uncertain Significance.

NM_000179.3(MSH6):c.2581G>A (p.Ala861Thr)

Gene: MSH6 (mutS homolog 6; plus strand). Cytogenetic location: 2p16.3.
Variant type: single nucleotide variant.
Coding change: c.2581G>A on transcript NM_000179.3 (MANE Select); coding-DNA position 2581, G replaced by A.
Protein change: p.Ala861Thr; replaces alanine 861 with threonine.
Molecular consequence: missense variant. On other transcripts: non-coding transcript variant (5), intron variant (3).
Genome position (GRCh38, 1-based): chr2:47,800,564, G>A. VCF-style: chr2-47800564-G-A. GRCh37 (hg19) VCF-style: chr2-48027703-G-A.
Other names: c.2581G>A, p.Ala861Thr (NM_001406809.1, NM_001406798.1, NM_001406800.1 and 2 more transcripts); c.1675G>A, p.Ala559Thr (NM_001406811.1, NM_001406812.1, NM_001406814.1 and 6 more transcripts); c.2587G>A, p.Ala863Thr (NM_001406813.1); c.2284G>A, p.Ala762Thr (NM_001406797.1, NM_001406801.1, NM_001406820.1 and 10 more transcripts); c.2056G>A, p.Ala686Thr (NM_001406799.1, NM_001406806.1, NM_001406807.1); c.2677G>A, p.Ala893Thr (NM_001406802.1, NM_001406795.1); c.2503G>A, p.Ala835Thr (NM_001406804.1); c.2191G>A, p.Ala731Thr (NM_001281492.2); and 4 more; short protein forms A686T, A835T, A861T, A863T, A893T, A731T, A762T, A559T.
Identifiers: ClinVar variation 3633952 (VCV003633952.2).
Genomic context (GRCh38, chr2:47,800,564, plus strand): 5'-AGGGCTATAATGTATGAAGAAACTACATACAGCAAGAAGAAGATTATTGATTTTCTTTCT[G>A]CTCTGGAAGGATTCAAAGTAATGTGTAAAATTATAGGGATCATGGAAGAAGTTGCTGATG-3'
Protein context (NP_000170.1, residues 851-871): SKKKIIDFLS[Ala861Thr]LEGFKVMCKI